The following is an entry in ClinVar:

ClinVar aggregate classification (germline): Likely pathogenic (1 of 4 stars; one submission).

Conditions:
DSPP-related disorder. Also called: DSPP-related condition.

Submission:

PreventionGenetics, part of Exact Sciences
Classification: Likely pathogenic for DSPP-related condition. Last evaluated: 2025-12-18. Review status: criteria provided, single submitter. Criteria: ACMG Guidelines, 2015. Collection method: clinical testing. Allele origin: germline.
Comment: The DSPP c.1841delG variant is predicted to result in a frameshift and premature protein termination (p.Ser614Metfs*700). To our knowledge, this variant has not been reported in the literature or in a large population database (gnomAD), indicating this variant is rare. Frameshift variants in DSPP are expected to be pathogenic. Furthermore, this variant resides in the last exon of DSPP gene where similar frameshift variants have been reported as pathogenic for dentinogenesis imperfecta (see, for example, McKnight et al. 2008. PubMed ID: 18521831; Simmer et al. 2022. PubMed ID: 35627243). This variant is interpreted as likely pathogenic.

NM_014208.3(DSPP):c.1841del (p.Ser614fs)

Genes: DMP1-AS1 (DMP1 and DSPP antisense RNA 1; minus strand), DSPP (dentin sialophosphoprotein; plus strand). Cytogenetic location: 4q22.1.
Variant type: Deletion.
Coding change: c.1841del on transcript NM_014208.3 (MANE Select); coding-DNA position 1841, one base deleted (G; older notation c.1841delG).
Protein change: p.Ser614fs; shifts the reading frame from serine 614.
Molecular consequence: frameshift variant.
Genome position (GRCh38, 1-based): chr4:87,614,503, G deleted. VCF-style (leftmost placement, unchanged base first): chr4-87614502-AG-A. GRCh37 (hg19) VCF-style: chr4-88535654-AG-A.
Other names: c.1841delG (NM_014208.3); short protein forms S614fs.
Identifiers: ClinVar variation 4999442 (VCV004999442.1).